The following is an entry in ClinVar:

ClinVar aggregate classification (germline): Uncertain significance (1 of 4 stars; one submission).

Submission:

CeGaT Center for Human Genetics Tuebingen
Classification: Uncertain significance. Last evaluated: 2025-05-01. Review status: criteria provided, single submitter. Criteria: CeGaT Center For Human Genetics Tuebingen Variant Classification Criteria Version 2. Collection method: clinical testing. Allele origin: germline. Affected: yes. Observed: 1 variant allele.
Comment: GLRX5: PM2

NM_016417.3(GLRX5):c.4A>G (p.Ser2Gly)

Gene: GLRX5 (glutaredoxin 5; plus strand). Cytogenetic location: 14q32.13.
Variant type: single nucleotide variant.
Coding change: c.4A>G on transcript NM_016417.3 (MANE Select); coding-DNA position 4, A replaced by G.
Protein change: p.Ser2Gly; replaces serine 2 with glycine.
Molecular consequence: missense variant.
Genome position (GRCh38, 1-based): chr14:95,535,093, A>G. VCF-style: chr14-95535093-A-G. GRCh37 (hg19) VCF-style: chr14-96001430-A-G.
Other names: short protein forms S2G.
Identifiers: ClinVar variation 3905579 (VCV003905579.10).